The following is an entry in ClinVar:

NC_000008.10:g.(?_118819436)_(118847810_?)del

Gene: EXT1 (exostosin glycosyltransferase 1; minus strand). Cytogenetic location: 8q24.11.
Variant type: Deletion.
Identifiers: ClinVar variation 1072962 (VCV001072962.2).

ClinVar aggregate classification (germline): Pathogenic (1 of 4 stars; one submission).

Conditions:
Multiple congenital exostosis (EXT). Also called: Multiple osteochondromas; MULTIPLE CARTILAGINOUS EXOSTOSES; Hereditary multiple exostoses; Hereditary multiple exostosis; Multiple exostoses; Hereditary multiple osteochondromas. Identifiers: Orphanet 321, MedGen C0015306, MONDO:0005508, HP:0002762.

Submission:

Labcorp Genetics (formerly Invitae), Labcorp
Classification: Pathogenic for Multiple congenital exostosis. Last evaluated: 2020-10-08. Review status: criteria provided, single submitter. Criteria: Invitae Variant Classification Sherloc (09022015). Collection method: clinical testing. Allele origin: germline.
Comment: This variant is an out-of-frame deletion of the genomic region encompassing exon(s) 3-9 of the EXT1 gene. This is expected to create a premature translational stop signal and result in an absent or disrupted protein product. This variant has not been reported in the literature in individuals with EXT1-related conditions. Loss-of-function variants in EXT1 are known to be pathogenic (PMID: 10679937, 11391482, 19810120). For these reasons, this variant has been classified as Pathogenic.

Literature cited by the submitters: PubMed 10679937; PubMed 11391482; PubMed 19810120.